The following is an entry in ClinVar:

NM_000135.4(FANCA):c.1945C>T (p.Pro649Ser)

Gene: FANCA (FA complementation group A; minus strand). Cytogenetic location: 16q24.3.
Variant type: single nucleotide variant.
Coding change: c.1945C>T on transcript NM_000135.4 (MANE Select); coding-DNA position 1945, C replaced by T.
Protein change: p.Pro649Ser; replaces proline 649 with serine.
Molecular consequence: missense variant.
Genome position (GRCh38, 1-based): chr16:89,773,340, G>A on the plus strand (C>T on the coding strand, the complement: FANCA is on the minus strand). VCF-style: chr16-89773340-G-A. GRCh37 (hg19) VCF-style: chr16-89839748-G-A.
Other names: c.1945C>T, p.Pro649Ser (NM_001286167.3); short protein forms P649S.
Identifiers: ClinVar variation 2722889 (VCV002722889.4), dbSNP rs370284758, ClinGen allele CA8251968.

ClinVar aggregate classification (germline): Uncertain significance. Review status: criteria provided, multiple submitters, no conflicts (2 of 4 stars). 2 submissions from 2 submitters: Uncertain significance (2). Last evaluated 2025-03-29.

Conditions:
Inborn genetic diseases. Identifiers: MedGen C0950123, MeSH D030342.
Fanconi anemia (FA). Also called: Fanconi's anemia. Identifiers: Orphanet 84, MedGen C0015625, MeSH D005199, MONDO:0019391.

Allele frequency attached by ClinVar (database versions not stated): TOPMed 0.00001; ExAC 0.00005; ESP Exome Variant Server 0.00008.
gnomAD v4.1: 8 of 1,551,570 alleles (0.00052%); highest among the groups gnomAD compares: Non-Finnish European, 0.00061%; no homozygotes.

Submissions (2):

Ambry Genetics
Classification: Uncertain significance for Inborn genetic diseases. Last evaluated: 2025-03-29. Review status: criteria provided, single submitter. Criteria: Ambry Variant Classification Scheme 2023. Collection method: clinical testing. Allele origin: germline.
Comment: The p.P649S variant (also known as c.1945C>T), located in coding exon 22 of the FANCA gene, results from a C to T substitution at nucleotide position 1945. The proline at codon 649 is replaced by serine, an amino acid with similar properties. This amino acid position is conserved. In addition, this alteration is predicted to be tolerated by in silico analysis. Based on the available evidence, the clinical significance of this variant remains unclear.

Labcorp Genetics (formerly Invitae), Labcorp
Classification: Uncertain significance for Fanconi anemia. Last evaluated: 2023-11-04. Review status: criteria provided, single submitter. Criteria: Invitae Variant Classification Sherloc (09022015). Collection method: clinical testing. Allele origin: germline.
Comment: This sequence change replaces proline, which is neutral and non-polar, with serine, which is neutral and polar, at codon 649 of the FANCA protein (p.Pro649Ser). This variant is present in population databases (rs370284758, gnomAD 0.01%). This variant has not been reported in the literature in individuals affected with FANCA-related conditions. Advanced modeling of protein sequence and biophysical properties (such as structural, functional, and spatial information, amino acid conservation, physicochemical variation, residue mobility, and thermodynamic stability) performed at Invitae indicates that this missense variant is not expected to disrupt FANCA protein function with a negative predictive value of 80%. In summary, the available evidence is currently insufficient to determine the role of this variant in disease. Therefore, it has been classified as a Variant of Uncertain Significance.